The following is an entry in ClinVar:

NM_198576.4(AGRN):c.3905C>T (p.Thr1302Met)

Gene: AGRN (agrin; plus strand). Cytogenetic location: 1p36.33.
Variant type: single nucleotide variant.
Coding change: c.3905C>T on transcript NM_198576.4 (MANE Select); coding-DNA position 3905, C replaced by T.
Protein change: p.Thr1302Met; replaces threonine 1302 with methionine.
Molecular consequence: missense variant.
Genome position (GRCh38, 1-based): chr1:1,048,165, C>T. VCF-style: chr1-1048165-C-T. GRCh37 (hg19) VCF-style: chr1-983545-C-T.
Other names: c.3905C>T, p.Thr1302Met (NM_001305275.2); c.3590C>T, p.Thr1197Met (NM_001364727.2); short protein forms T1197M, T1302M.
Identifiers: ClinVar variation 936082 (VCV000936082.8), dbSNP rs745898927, ClinGen allele CA509271.
Genomic context (GRCh38, chr1:1,048,165, plus strand): 5'-CTGCTGTGACCCCTCGGGCCCCGCACCCCAGTCACACAAGCCAGCCCGTTGCCAAGACCA[C>T]GGCAGCCCCCACCACACGTCGGCCCCCCACCACTGCCCCCAGCCGTGTGCCCGGACGTCG-3'
Protein context (NP_940978.2, residues 1292-1312): SHTSQPVAKT[Thr1302Met]AAPTTRRPPT

ClinVar aggregate classification (germline): Uncertain significance. Review status: criteria provided, multiple submitters, no conflicts (2 of 4 stars). 2 submissions from 2 submitters: Uncertain significance (2). Last evaluated 2024-11-11.

Conditions:
Congenital myasthenic syndrome 8. Also called: MYASTHENIC SYNDROME, CONGENITAL, DUE TO AGRIN DEFICIENCY; Myasthenic syndrome, congenital, 8, with pre- and postsynaptic defects. Identifiers: Orphanet 590, MedGen C3808739, MONDO:0014052, OMIM 615120.

Allele frequency attached by ClinVar (database versions not stated): TOPMed 0.00002; gnomAD 0.00003 and 0.00004; ExAC 0.00005.
gnomAD v4.1: 32 of 1,579,414 alleles (0.002%); highest among the groups gnomAD compares: Admixed American, 0.0069%; no homozygotes.

Submissions (2):

Labcorp Genetics (formerly Invitae), Labcorp
Classification: Uncertain significance for Congenital myasthenic syndrome 8. Last evaluated: 2024-11-11. Review status: criteria provided, single submitter. Criteria: Invitae Variant Classification Sherloc (09022015). Collection method: clinical testing. Allele origin: germline.
Comment: This sequence change replaces threonine, which is neutral and polar, with methionine, which is neutral and non-polar, at codon 1302 of the AGRN protein (p.Thr1302Met). The frequency data for this variant in the population databases is considered unreliable, as metrics indicate poor data quality at this position in the gnomAD database. This variant has not been reported in the literature in individuals affected with AGRN-related conditions. ClinVar contains an entry for this variant (Variation ID: 936082). An algorithm developed to predict the effect of missense changes on protein structure and function (PolyPhen-2) suggests that this variant is likely to be disruptive. In summary, the available evidence is currently insufficient to determine the role of this variant in disease. Therefore, it has been classified as a Variant of Uncertain Significance.

Baylor Genetics
Classification: Uncertain significance for Congenital myasthenic syndrome 8. Last evaluated: 2023-06-10. Review status: criteria provided, single submitter. Criteria: ACMG Guidelines, 2015. Collection method: clinical testing. Allele origin: unknown.